The following is an entry in ClinVar:

ClinVar aggregate classification (germline): Uncertain significance (1 of 4 stars; one submission).

Allele frequency attached by ClinVar (database versions not stated): gnomAD exomes below 0.00001; gnomAD 0.00001.
gnomAD v4.1: 2 of 1,613,898 alleles (0.00012%); highest among the groups gnomAD compares: African/African-American, 0.0027%; no homozygotes.

Submission:

Labcorp Genetics (formerly Invitae), Labcorp
Classification: Uncertain significance. Last evaluated: 2024-02-16. Review status: criteria provided, single submitter. Criteria: Invitae Variant Classification Sherloc (09022015). Collection method: clinical testing. Allele origin: germline.
Comment: This sequence change replaces arginine, which is basic and polar, with tryptophan, which is neutral and slightly polar, at codon 417 of the ACVR1 protein (p.Arg417Trp). This variant is not present in population databases (gnomAD no frequency). This variant has not been reported in the literature in individuals affected with ACVR1-related conditions. An algorithm developed to predict the effect of missense changes on protein structure and function (PolyPhen-2) suggests that this variant is likely to be disruptive. In summary, the available evidence is currently insufficient to determine the role of this variant in disease. Therefore, it has been classified as a Variant of Uncertain Significance.

NM_001111067.4(ACVR1):c.1249C>T (p.Arg417Trp)

Gene: ACVR1 (activin A receptor type 1; minus strand). Cytogenetic location: 2q24.1.
Variant type: single nucleotide variant.
Coding change: c.1249C>T on transcript NM_001111067.4 (MANE Select); coding-DNA position 1249, C replaced by T.
Protein change: p.Arg417Trp; replaces arginine 417 with tryptophan.
Molecular consequence: missense variant.
Genome position (GRCh38, 1-based): chr2:157,760,895, G>A on the plus strand (C>T on the coding strand, the complement: ACVR1 is on the minus strand). VCF-style: chr2-157760895-G-A. GRCh37 (hg19) VCF-style: chr2-158617407-G-A.
Other names: c.1249C>T, p.Arg417Trp (NM_001105.5, NM_001347663.1, NM_001347664.1 and 3 more transcripts); short protein forms R417W.
Identifiers: ClinVar variation 2778093 (VCV002778093.3), dbSNP rs775370136, ClinGen allele CA59279114.